The following is an entry in ClinVar:

NM_000135.4(FANCA):c.959T>A (p.Phe320Tyr)

Gene: FANCA (FA complementation group A; minus strand). Cytogenetic location: 16q24.3.
Variant type: single nucleotide variant.
Coding change: c.959T>A on transcript NM_000135.4 (MANE Select); coding-DNA position 959, T replaced by A.
Protein change: p.Phe320Tyr; replaces phenylalanine 320 with tyrosine.
Molecular consequence: missense variant.
Genome position (GRCh38, 1-based): chr16:89,795,953, A>T on the plus strand (T>A on the coding strand, the complement: FANCA is on the minus strand). VCF-style: chr16-89795953-A-T. GRCh37 (hg19) VCF-style: chr16-89862361-A-T.
Other names: c.959T>A, p.Phe320Tyr (NM_001286167.3); short protein forms F320Y.
Identifiers: ClinVar variation 3581559 (VCV003581559.2).
Genomic context (GRCh38, chr16:89,795,953, plus strand): 5'-ACACTGGGCCTACCTTTCAGCACAGGGCTGTGAGTGAGTATCTGAGTCAGGGTATGACTG[A>T]AGAACCTCTTCAGAGGATCTGTGGAAATTACACTGCCAAGCGTGTGTCCACTGAACACTC-3'
Protein context (NP_000126.2, residues 310-330): VISTDPLKRF[Phe320Tyr]SHTLTQILTH

ClinVar aggregate classification (germline): Uncertain significance. Review status: criteria provided, multiple submitters, no conflicts (2 of 4 stars). 2 submissions from 2 submitters: Uncertain significance (2). Last evaluated 2025-06-28.

Conditions:
Inborn genetic diseases. Identifiers: MedGen C0950123, MeSH D030342.
Fanconi anemia complementation group A (FANCA). Also called: FANCA-Related Fanconi Anemia; Fanconi anemia, group A. Identifiers: Orphanet 84, MedGen C3469521, MONDO:0009215, OMIM 227650.

Submissions (2):

Ambry Genetics
Classification: Uncertain significance for Inborn genetic diseases. Last evaluated: 2025-06-28. Review status: criteria provided, single submitter. Criteria: Ambry Variant Classification Scheme 2023. Collection method: clinical testing. Allele origin: germline.
Comment: The p.F320Y variant (also known as c.959T>A), located in coding exon 11 of the FANCA gene, results from a T to A substitution at nucleotide position 959. The phenylalanine at codon 320 is replaced by tyrosine, an amino acid with highly similar properties. This amino acid position is conserved. In addition, this alteration is predicted to be tolerated by in silico analysis. Based on the available evidence, the clinical significance of this variant remains unclear.

Fulgent Genetics
Classification: Uncertain significance for Fanconi anemia complementation group A. Last evaluated: 2024-05-07. Review status: criteria provided, single submitter. Criteria: ACMG Guidelines, 2015. Collection method: clinical testing. Allele origin: germline.